The following is an entry in ClinVar:

NC_000016.9:g.(?_23619179)_(23625418_?)dup

Gene: PALB2 (partner and localizer of BRCA2; minus strand). Cytogenetic location: 16p12.2.
Variant type: Duplication.
Identifiers: ClinVar variation 460655 (VCV000460655.2).

ClinVar aggregate classification (germline): Uncertain significance (1 of 4 stars; one submission).

Conditions:
Familial cancer of breast. Also called: BREAST CANCER, FAMILIAL; hereditary breast carcinoma; Hereditary breast cancer. Identifiers: Orphanet 227535, MedGen C0346153, MONDO:0016419, OMIM 114480. Disease mechanism: loss of function.

Submission:

Labcorp Genetics (formerly Invitae), Labcorp
Classification: Uncertain significance for Familial cancer of breast. Last evaluated: 2017-03-08. Review status: criteria provided, single submitter. Criteria: Invitae Variant Classification Sherloc (09022015). Collection method: clinical testing. Allele origin: germline.
Comment: This variant is a gross duplication of the genomic region encompassing exons 11-12 of the PALB2 gene. While the exact position of the duplicated exons cannot be determined from this data, the duplicated copy of this region is likely in tandem and in-frame, therefore preserving the integrity of the reading frame. Duplications of exons 11-12 have not been reported in the literature in individuals with a PALB2-related disease.. In summary, the exact genomic location of this variant is unknown and the impact of this duplication on PALB2 protein function has not been established. Therefore, it has been classified as a Variant of Uncertain Significance.